The following is an entry in ClinVar:

ClinVar aggregate classification (germline): Uncertain significance (1 of 4 stars; one submission).

Conditions:
Gastrointestinal stromal tumor. Also called: Gastrointestinal stromal tumor, somatic; Gastrointestinal stroma tumor. Identifiers: Orphanet 44890, MedGen C0238198, MeSH D046152, MONDO:0011719, OMIM 606764, HP:0100723.

Submission:

Labcorp Genetics (formerly Invitae), Labcorp
Classification: Uncertain significance for Gastrointestinal stromal tumor. Last evaluated: 2020-05-07. Review status: criteria provided, single submitter. Criteria: Invitae Variant Classification Sherloc (09022015). Collection method: clinical testing. Allele origin: germline.
Comment: In summary, the available evidence is currently insufficient to determine the role of this variant in disease. Therefore, it has been classified as a Variant of Uncertain Significance. Nucleotide substitutions within the consensus splice site are a relatively common cause of aberrant splicing (PMID: 17576681, 9536098). Algorithms developed to predict the effect of sequence changes on RNA splicing suggest that this variant is not likely to affect RNA splicing, but this prediction has not been confirmed by published transcriptional studies. This variant has not been reported in the literature in individuals with PDGFRA-related conditions. This variant is not present in population databases (ExAC no frequency). This sequence change falls in intron 15 of the PDGFRA gene. It does not directly change the encoded amino acid sequence of the PDGFRA protein, but it affects a nucleotide within the consensus splice site of the intron.

Literature cited by the submitters: PubMed 17576681; PubMed 9536098.

NM_006206.6(PDGFRA):c.2156+3G>T

Gene: PDGFRA (platelet derived growth factor receptor alpha; plus strand). Cytogenetic location: 4q12.
Variant type: single nucleotide variant.
Coding change: c.2156+3G>T on transcript NM_006206.6 (MANE Select); 3 bases into the intron after coding-DNA position 2156, G replaced by T.
Molecular consequence: intron variant.
Genome position (GRCh38, 1-based): chr4:54,278,518, G>T. VCF-style: chr4-54278518-G-T. GRCh37 (hg19) VCF-style: chr4-55144685-G-T.
Other names: c.2231+3G>T (NM_001347828.2); c.2156+3G>T (NM_001347827.2, NM_001347829.2); c.2195+3G>T (NM_001347830.2).
Identifiers: ClinVar variation 1022872 (VCV001022872.7), dbSNP rs1723885021, ClinGen allele CA1458537529.